The following is an entry in ClinVar:

ClinVar aggregate classification (germline): Uncertain significance (1 of 4 stars; one submission).

Submission:

GeneDx
Classification: Uncertain significance. Last evaluated: 2025-05-02. Review status: criteria provided, single submitter. Criteria: GeneDx Variant Classification Process June 2021. Collection method: clinical testing. Allele origin: germline. Affected: yes.
Comment: Not observed at significant frequency in large population cohorts (gnomAD); In silico analysis supports that this missense variant has a deleterious effect on protein structure/function; Has not been previously published as pathogenic or benign to our knowledge

NM_006914.4(RORB):c.43G>C (p.Asp15His)

Gene: RORB (RAR related orphan receptor B; plus strand). Cytogenetic location: 9q21.13.
Variant type: single nucleotide variant.
Coding change: c.43G>C on transcript NM_006914.4 (MANE Select); coding-DNA position 43, G replaced by C.
Protein change: p.Asp15His; replaces aspartic acid 15 with histidine.
Molecular consequence: missense variant.
Genome position (GRCh38, 1-based): chr9:74,630,317, G>C. VCF-style: chr9-74630317-G-C. GRCh37 (hg19) VCF-style: chr9-77245233-G-C.
Other names: c.76G>C, p.Asp26His (NM_001365023.1); short protein forms D15H, D26H.
Identifiers: ClinVar variation 4528092 (VCV004528092.1).